The following is an entry in ClinVar:

ClinVar aggregate classification (germline): Likely pathogenic (1 of 4 stars; one submission).

Conditions:
Hereditary spastic paraplegia 11. Also called: Autosomal recessive hereditary spastic paraplegia, mental impairment, and thin corpus callosum; SPASTIC PARAPLEGIA, AUTOSOMAL RECESSIVE, COMPLICATED, WITH THIN CORPUS CALLOSUM; SPASTIC PARAPLEGIA, AUTOSOMAL RECESSIVE, WITH MENTAL IMPAIRMENT AND THIN CORPUS CALLOSUM; Spastic paraplegia, mental retardation and thin corpus callosum; Spastic Paraplegia 11; Nakamura Osame syndrome. Identifiers: Orphanet 2822, MedGen C1858479, MONDO:0011445, OMIM 604360.

Submission:

Labcorp Genetics (formerly Invitae), Labcorp
Classification: Likely pathogenic for Hereditary spastic paraplegia 11. Last evaluated: 2021-01-30. Review status: criteria provided, single submitter. Criteria: Invitae Variant Classification Sherloc (09022015). Collection method: clinical testing. Allele origin: germline.
Comment: The frequency data for this variant in the population databases is not available, as this variant may be reported as separate entries in the ExAC database. This sequence change affects an acceptor splice site in intron 38 of the SPG11 gene. It is expected to disrupt RNA splicing. Variants that disrupt the donor or acceptor splice site typically lead to a loss of protein function (PMID: 16199547), and loss-of-function variants in SPG11 are known to be pathogenic (PMID: 19105190, 20110243, 22154821). In summary, the currently available evidence indicates that the variant is pathogenic, but additional data are needed to prove that conclusively. Therefore, this variant has been classified as Likely Pathogenic. Algorithms developed to predict the effect of sequence changes on RNA splicing suggest that this variant may disrupt the consensus splice site, but this prediction has not been confirmed by published transcriptional studies. This variant has not been reported in the literature in individuals with SPG11-related conditions.

Literature cited by the submitters: PubMed 16199547; PubMed 19105190; PubMed 20110243; PubMed 22154821.

NM_025137.4(SPG11):c.7000-3_7000-2delinsGC

Gene: SPG11 (SPG11 vesicle trafficking associated, spatacsin; minus strand). Cytogenetic location: 15q21.1.
Variant type: Indel.
Coding change: c.7000-3_7000-2delinsGC on transcript NM_025137.4 (MANE Select); 3 bases into the intron before coding-DNA position 7000 through the canonical splice acceptor site of the intron before coding-DNA position 7000, AA replaced by GC.
Molecular consequence: splice acceptor variant.
Genome position (GRCh38, 1-based): chr15:44,564,700-44,564,701, TT replaced by GC on the plus strand (AA replaced by GC on the coding strand, the reverse complement: SPG11 is on the minus strand). VCF-style: chr15-44564700-TT-GC. GRCh37 (hg19) VCF-style: chr15-44856898-TT-GC.
Other names: c.6661-3_6661-2delinsGC (NM_001160227.2).
Identifiers: ClinVar variation 1479807 (VCV001479807.8), dbSNP rs2140911612, ClinGen allele CA2573150851.